The following is an entry in ClinVar:

NM_181486.4(TBX5):c.1208G>A (p.Ser403Asn)

Gene: TBX5 (T-box transcription factor 5; minus strand). Cytogenetic location: 12q24.21.
Variant type: single nucleotide variant.
Coding change: c.1208G>A on transcript NM_181486.4 (MANE Select); coding-DNA position 1208, G replaced by A.
Protein change: p.Ser403Asn; replaces serine 403 with asparagine.
Molecular consequence: missense variant.
Genome position (GRCh38, 1-based): chr12:114,355,881, C>T on the plus strand (G>A on the coding strand, the complement: TBX5 is on the minus strand). VCF-style: chr12-114355881-C-T. GRCh37 (hg19) VCF-style: chr12-114793686-C-T.
Other names: c.1208G>A, p.Ser403Asn (NM_000192.3); c.1058G>A, p.Ser353Asn (NM_080717.4); short protein forms S403N, S353N.
Identifiers: ClinVar variation 583329 (VCV000583329.11), dbSNP rs773568096, ClinGen allele CA386925555.
Genomic context (GRCh38, chr12:114,355,881, plus strand): 5'-TAGGGTAGCCTGTCCATGGGCTGCACGGTGGTGACGGTGCAGCTGCTGTAGGAAGGCATG[C>T]TTGGCCACGTGTTGCAGCTGATGTCCTCTAGGCTGGGCACAGGCTCGCTGGGGGGCGCAG-3'
Protein context (NP_852259.1, residues 393-413): LEDISCNTWP[Ser403Asn]MPSYSSCTVT

ClinVar aggregate classification (germline): Uncertain significance. Review status: criteria provided, multiple submitters, no conflicts (2 of 4 stars). 2 submissions from 2 submitters: Uncertain significance (2). Last evaluated 2022-11-07.

Conditions:
Cardiovascular phenotype. Identifiers: MedGen CN230736.
Aortic valve disease 2 (AOVD2). Identifiers: MedGen C3542024, MONDO:0013902, OMIM 614823.

Allele frequency attached by ClinVar (database versions not stated): gnomAD 0.00001; TOPMed 0.00001.
gnomAD v4.1: 2 of 1,613,576 alleles (0.00012%); highest among the groups gnomAD compares: Non-Finnish European, 0.00017%; no homozygotes.

Submissions (2):

Ambry Genetics
Classification: Uncertain significance for Cardiovascular phenotype. Last evaluated: 2022-11-07. Review status: criteria provided, single submitter. Criteria: Ambry Variant Classification Scheme 2023. Collection method: clinical testing. Allele origin: germline.
Comment: The p.S403N variant (also known as c.1208G>A), located in coding exon 8 of the TBX5 gene, results from a G to A substitution at nucleotide position 1208. The serine at codon 403 is replaced by asparagine, an amino acid with highly similar properties. This amino acid position is conserved. In addition, this alteration is predicted to be tolerated by in silico analysis. Since supporting evidence is limited at this time, the clinical significance of this alteration remains unclear.

Labcorp Genetics (formerly Invitae), Labcorp
Classification: Uncertain significance for Aortic valve disease 2. Last evaluated: 2018-07-23. Review status: criteria provided, single submitter. Criteria: Invitae Variant Classification Sherloc (09022015). Collection method: clinical testing. Allele origin: germline.
Comment: In summary, the available evidence is currently insufficient to determine the role of this variant in disease. Therefore, it has been classified as a Variant of Uncertain Significance. Algorithms developed to predict the effect of missense changes on protein structure and function (SIFT, PolyPhen-2, Align-GVGD) all suggest that this variant is likely to be tolerated, but these predictions have not been confirmed by published functional studies and their clinical significance is uncertain. This variant has not been reported in the literature in individuals with TBX5-related disease. This variant is not present in population databases (ExAC no frequency). This sequence change replaces serine with asparagine at codon 403 of the TBX5 protein (p.Ser403Asn). The serine residue is highly conserved and there is a small physicochemical difference between serine and asparagine.